The following is an entry in ClinVar:

ClinVar aggregate classification (germline): Benign/Likely benign. Review status: criteria provided, multiple submitters, no conflicts (2 of 4 stars). 5 submissions from 5 submitters: Benign (3); Likely benign (2). Last evaluated 2026-02-01.

Conditions:
Spermatogenic failure 18. Identifiers: MedGen C4539783, MONDO:0054615, OMIM 617576.
Ciliary dyskinesia, primary, 37 (CILD37). Also called: CILIARY DYSKINESIA, PRIMARY, 37, WITH OR WITHOUT SITUS INVERSUS. Identifiers: MedGen C4539798, MONDO:0033204, OMIM 617577.

Allele frequency attached by ClinVar (database versions not stated): gnomAD exomes 0.00209; ExAC 0.00271; gnomAD 0.00827 and 0.00903; TOPMed 0.00985; ESP Exome Variant Server 0.01057; 1000 Genomes Project 30x 0.01093; 1000 Genomes Project 0.01098.
gnomAD v4.1: 2,493 of 1,613,788 alleles (0.15%); highest among the groups gnomAD compares: African/African-American, 3%; 47 homozygotes.

Submissions (5):

Labcorp Genetics (formerly Invitae), Labcorp
Classification: Benign for Ciliary dyskinesia, primary, 37; Spermatogenic failure 18. Last evaluated: 2026-02-01. Review status: criteria provided, single submitter. Criteria: Invitae Variant Classification Sherloc (09022015). Collection method: clinical testing. Allele origin: germline.

Mayo Clinic Laboratories, Mayo Clinic
Classification: Benign. Last evaluated: 2025-09-30. Review status: criteria provided, single submitter. Criteria: ACMG Guidelines, 2015. Collection method: clinical testing. Allele origin: germline. Observed: 1 variant allele.
Comment: BS1, BS2, BP4_moderate

ARUP Laboratories, Molecular Genetics and Genomics, ARUP Laboratories
Classification: Benign. Last evaluated: 2024-10-18. Review status: criteria provided, single submitter. Criteria: ARUP Molecular Germline Variant Investigation Process 2024. Collection method: clinical testing. Allele origin: germline.

GeneDx
Classification: Likely benign. Last evaluated: 2018-07-14. Review status: criteria provided, single submitter. Criteria: GeneDx Variant Classification Process June 2021. Collection method: clinical testing. Allele origin: germline. Affected: yes.

Breakthrough Genomics
Classification: Likely benign. Review status: criteria provided, single submitter. Criteria: ACMG Guidelines, 2015. Collection method: not provided. Allele origin: germline. Inheritance: Autosomal recessive inheritance. Affected: yes.

NM_015512.5(DNAH1):c.4588A>G (p.Asn1530Asp)

Gene: DNAH1 (dynein axonemal heavy chain 1; plus strand). Cytogenetic location: 3p21.1.
Variant type: single nucleotide variant.
Coding change: c.4588A>G on transcript NM_015512.5 (MANE Select); coding-DNA position 4588, A replaced by G.
Protein change: p.Asn1530Asp; replaces asparagine 1530 with aspartic acid.
Molecular consequence: missense variant.
Genome position (GRCh38, 1-based): chr3:52,360,327, A>G. VCF-style: chr3-52360327-A-G. GRCh37 (hg19) VCF-style: chr3-52394343-A-G.
Other names: p.Asn1530Asp; short protein forms N1530D.
Identifiers: ClinVar variation 478451 (VCV000478451.16), dbSNP rs74498533, ClinGen allele CA2433960.